The following is an entry in ClinVar:

NM_002880.4(RAF1):c.1832A>C (p.His611Pro)

Gene: RAF1 (Raf-1 proto-oncogene, serine/threonine kinase; minus strand). Cytogenetic location: 3p25.2.
Variant type: single nucleotide variant.
Coding change: c.1832A>C on transcript NM_002880.4 (MANE Select); coding-DNA position 1832, A replaced by C.
Protein change: p.His611Pro; replaces histidine 611 with proline.
Molecular consequence: missense variant. On other transcripts: non-coding transcript variant (3).
Genome position (GRCh38, 1-based): chr3:12,584,629, T>G on the plus strand (A>C on the coding strand, the complement: RAF1 is on the minus strand). VCF-style: chr3-12584629-T-G. GRCh37 (hg19) VCF-style: chr3-12626128-T-G.
Other names: c.1892A>C, p.His631Pro (NM_001354689.3); c.1832A>C, p.His611Pro (NM_001354690.3); c.1589A>C, p.His530Pro (NM_001354691.3, NM_001354692.3); c.1733A>C, p.His578Pro (NM_001354693.3); c.1649A>C, p.His550Pro (NM_001354694.3); c.1490A>C, p.His497Pro (NM_001354695.3); short protein forms H497P, H530P, H611P, H550P, H578P, H631P.
Identifiers: ClinVar variation 863502 (VCV000863502.9), dbSNP rs2058261337, ClinGen allele CA351496114.

ClinVar aggregate classification (germline): Uncertain significance (1 of 4 stars; one submission).

Conditions:
RASopathy. Also called: rasopathies; Noonan spectrum disorder. Identifiers: Orphanet 536391, MedGen C5555857, MONDO:0021060.

Submission:

Labcorp Genetics (formerly Invitae), Labcorp
Classification: Uncertain significance for RASopathy. Last evaluated: 2019-03-07. Review status: criteria provided, single submitter. Criteria: Invitae Variant Classification Sherloc (09022015). Collection method: clinical testing. Allele origin: germline.
Comment: This sequence change replaces histidine with proline at codon 611 of the RAF1 protein (p.His611Pro). The histidine residue is moderately conserved and there is a moderate physicochemical difference between histidine and proline. This variant is not present in population databases (ExAC no frequency). This variant has not been reported in the literature in individuals with RAF1-related conditions. Algorithms developed to predict the effect of missense changes on protein structure and function are either unavailable or do not agree on the potential impact of this missense change (SIFT: "Deleterious"; PolyPhen-2: "Possibly Damaging"; Align-GVGD: "Class C0"). In summary, the available evidence is currently insufficient to determine the role of this variant in disease. Therefore, it has been classified as a Variant of Uncertain Significance.